The following is an entry in ClinVar:

ClinVar aggregate classification (germline): Conflicting classifications of pathogenicity. Review status: criteria provided, conflicting classifications (1 of 4 stars). 4 submissions from 4 submitters: Likely pathogenic (1); Uncertain significance (2); Likely benign (1). Last evaluated 2026-10-03.

Conditions:
Inborn genetic diseases. Identifiers: MedGen C0950123, MeSH D030342.
Bartter disease type 3. Also called: Bartter syndrome type 3. Identifiers: Orphanet 112, Orphanet 93605, MedGen C1846343, MONDO:0011822, OMIM 607364.
Bartter disease type 4B. Also called: BARTTER SYNDROME, TYPE 4B; BARTTER SYNDROME, TYPE 4B, NEONATAL, WITH SENSORINEURAL DEAFNESS; Bartter syndrome, type 4b, digenic. Identifiers: Orphanet 112, MedGen C4310805, MONDO:0000909, OMIM 613090.

Allele frequency attached by ClinVar (database versions not stated): ExAC 0.00012; gnomAD 0.00013 and 0.00014; gnomAD exomes 0.00013 and 0.00016; TOPMed 0.00016; ESP Exome Variant Server 0.00015.

Submissions (4):

GeneDx
Classification: Likely pathogenic. Last evaluated: 2026-10-03. Review status: criteria provided, single submitter. Criteria: GeneDx Variant Classification Process June 2021. Collection method: clinical testing. Allele origin: germline.
Comment: In silico analysis supports that this missense variant has a deleterious effect on protein structure/function; Has not been previously published as pathogenic or benign to our knowledge

Labcorp Genetics (formerly Invitae), Labcorp
Classification: Likely benign. Last evaluated: 2026-01-25. Review status: criteria provided, single submitter. Criteria: Invitae Variant Classification Sherloc (09022015). Collection method: clinical testing. Allele origin: germline.

Ambry Genetics
Classification: Uncertain significance for Inborn genetic diseases. Last evaluated: 2024-06-30. Review status: criteria provided, single submitter. Criteria: Ambry Variant Classification Scheme 2023. Collection method: clinical testing. Allele origin: germline.

Fulgent Genetics
Classification: Uncertain significance for Bartter disease type 3; Bartter disease type 4B. Last evaluated: 2024-02-09. Review status: criteria provided, single submitter. Criteria: ACMG Guidelines, 2015. Collection method: clinical testing. Allele origin: germline.

NM_000085.5(CLCNKB):c.1717T>C (p.Ser573Pro)

Genes: CLCNKB (chloride voltage-gated channel Kb; plus strand), LOC106501713 (CLCNKB recombination region; plus strand). Cytogenetic location: 1p36.13.
Variant type: single nucleotide variant.
Coding change: c.1717T>C on transcript NM_000085.5 (MANE Select); coding-DNA position 1717, T replaced by C.
Protein change: p.Ser573Pro; replaces serine 573 with proline.
Molecular consequence: missense variant.
Genome position (GRCh38, 1-based): chr1:16,053,733, T>C. VCF-style: chr1-16053733-T-C. GRCh37 (hg19) VCF-style: chr1-16380228-T-C.
Other names: c.1210T>C, p.Ser404Pro (NM_001165945.2); c.1717T>C (NM_000085.3); short protein forms S404P, S573P.
Identifiers: ClinVar variation 1191031 (VCV001191031.15), dbSNP rs148173992, ClinGen allele CA623985.